The following is an entry in ClinVar:

ClinVar aggregate classification (germline): Conflicting classifications of pathogenicity. Review status: criteria provided, conflicting classifications (1 of 4 stars). 3 submissions from 3 submitters: Likely pathogenic (1); Uncertain significance (1). 1 of the submissions does not count toward it. Last evaluated 2023-03-02.

Conditions:
Cystic fibrosis (CF). Also called: MUCOVISCIDOSIS. Identifiers: Orphanet 586, MedGen C0010674, MONDO:0009061, OMIM 219700. Disease mechanism: loss of function.
Bronchiectasis with or without elevated sweat chloride 1 (BESC1). Also called: Cystic Fibrosis-Like Syndrome. Identifiers: Orphanet 60033, MedGen C2749757, MONDO:0008887, OMIM 211400.

Allele frequency attached by ClinVar (database versions not stated): gnomAD exomes below 0.00001.
gnomAD v4.1: 1 of 1,602,872 alleles (0.000062%); highest among the groups gnomAD compares: Non-Finnish European, 0.000085%; no homozygotes.

Submissions (3):

Baylor Genetics
Classification: Likely pathogenic for Bronchiectasis with or without elevated sweat chloride 1. Last evaluated: 2023-03-02. Review status: criteria provided, single submitter. Criteria: ACMG Guidelines, 2015. Collection method: clinical testing. Allele origin: unknown.

Ambry Genetics
Classification: Uncertain significance for Cystic fibrosis. Last evaluated: 2022-07-29. Review status: criteria provided, single submitter. Criteria: Ambry Variant Classification Scheme 2023. Collection method: clinical testing. Allele origin: germline.
Comment: The p.A566D variant (also known as c.1697C>A), located in coding exon 13 of the CFTR gene, results from a C to A substitution at nucleotide position 1697. The alanine at codon 566 is replaced by aspartic acid, an amino acid with dissimilar properties. This alteration has been identified in individuals diagnosed with cystic fibrosis (Alibakhshi R et al. J Cyst Fibros, 2008 Mar;7:102-9; Banjar HH et al. Ann Saudi Med Mar;40:15-24). This amino acid position is highly conserved in available vertebrate species. In addition, this alteration is predicted to be deleterious by in silico analysis. Since supporting evidence is limited at this time, the clinical significance of this alteration remains unclear.

Counsyl
Classification: Uncertain significance for Cystic fibrosis. Last evaluated: 2018-01-17. Review status: no assertion criteria provided. Collection method: clinical testing. Allele origin: unknown. Not counted in ClinVar's aggregate classification.

Literature cited by the submitters: PubMed 17662673 (cited by Ambry Genetics and Counsyl); PubMed 32026723 (cited by Ambry Genetics).

NM_000492.4(CFTR):c.1697C>A (p.Ala566Asp)

Gene: CFTR (CF transmembrane conductance regulator; plus strand). Cytogenetic location: 7q31.2.
Variant type: single nucleotide variant.
Coding change: c.1697C>A on transcript NM_000492.4 (MANE Select); coding-DNA position 1697, C replaced by A.
Protein change: p.Ala566Asp; replaces alanine 566 with aspartic acid.
Molecular consequence: missense variant.
Genome position (GRCh38, 1-based): chr7:117,590,370, C>A. VCF-style: chr7-117590370-C-A. GRCh37 (hg19) VCF-style: chr7-117230424-C-A.
Other names: short protein forms A566D.
Identifiers: ClinVar variation 556179 (VCV000556179.5), dbSNP rs1375786834, ClinGen allele CA368977074.
Genomic context (GRCh38, chr7:117,590,370, plus strand): 5'-GAAATAGAGAGGAAATGTAATTTAATTTCCATTTTCTTTTTAGAGCAGTATACAAAGATG[C>A]TGATTTGTATTTATTAGACTCTCCTTTTGGATACCTAGATGTTTTAACAGAAAAAGAAAT-3'
Protein context (NP_000483.3, residues 556-576): ISLARAVYKD[Ala566Asp]DLYLLDSPFG